The following is an entry in ClinVar:

ClinVar aggregate classification (germline): Benign. Review status: criteria provided, multiple submitters, no conflicts (2 of 4 stars). 3 submissions from 3 submitters: Benign (3). Last evaluated 2024-01-24.

Allele frequency attached by ClinVar (database versions not stated): 1000 Genomes Project 30x 0.12492; 1000 Genomes Project 0.12560; TOPMed 0.19178; gnomAD 0.20407 and 0.20686; gnomAD exomes 0.20977 and 0.24284; ExAC 0.21633.
gnomAD v4.1: 202,020 of 858,540 alleles (24%); highest among the groups gnomAD compares: Non-Finnish European, 27%; 26,485 homozygotes.

Submissions (29):

Unidad de Genómica Garrahan, Hospital de Pediatría Garrahan
Classification: Benign. Last evaluated: 2024-01-24. Review status: criteria provided, single submitter. Criteria: ACMG Guidelines, 2015. Collection method: clinical testing. Allele origin: germline. Affected: no. Observed: 25 variant alleles.
Comment: This variant is classified as Benign based on local population frequency. This variant was detected in 28% of patients studied by a panel of primary immunodeficiencies. Number of patients: 25. Only high quality variants are reported.

GeneDx
Classification: Benign. Last evaluated: 2018-07-25. Review status: criteria provided, single submitter. Criteria: GeneDx Variant Classification Process June 2021. Collection method: clinical testing. Allele origin: germline. Affected: yes.

Breakthrough Genomics
Classification: Benign. Review status: criteria provided, single submitter. Criteria: ACMG Guidelines, 2015. Collection method: not provided. Allele origin: germline. Inheritance: Autosomal recessive inheritance. Affected: yes.

Dr. Peter K. Rogan Lab, Western University
No classification provided (evidence only). Condition: Lung cancer. Review status: no classification provided. Collection method: in vitro. Allele origin: not applicable. Functional consequence: retained intron. Not counted in ClinVar's aggregate classification.

Dr. Peter K. Rogan Lab, Western University
No classification provided (evidence only). Condition: Lung cancer. Review status: no classification provided. Collection method: in vitro. Allele origin: not applicable. Functional consequence: retained intron. Not counted in ClinVar's aggregate classification.

Dr. Peter K. Rogan Lab, Western University
No classification provided (evidence only). Condition: Lung cancer. Review status: no classification provided. Collection method: in vitro. Allele origin: not applicable. Functional consequence: retained intron. Not counted in ClinVar's aggregate classification.

Dr. Peter K. Rogan Lab, Western University
No classification provided (evidence only). Condition: Lung cancer. Review status: no classification provided. Collection method: in vitro. Allele origin: not applicable. Functional consequence: retained intron. Not counted in ClinVar's aggregate classification.

Dr. Peter K. Rogan Lab, Western University
No classification provided (evidence only). Condition: Lung cancer. Review status: no classification provided. Collection method: in vitro. Allele origin: not applicable. Functional consequence: retained intron. Not counted in ClinVar's aggregate classification.

Dr. Peter K. Rogan Lab, Western University
No classification provided (evidence only). Condition: Lung cancer. Review status: no classification provided. Collection method: in vitro. Allele origin: not applicable. Functional consequence: retained intron. Not counted in ClinVar's aggregate classification.

Dr. Peter K. Rogan Lab, Western University
No classification provided (evidence only). Condition: Lung cancer. Review status: no classification provided. Collection method: in vitro. Allele origin: not applicable. Functional consequence: retained intron. Not counted in ClinVar's aggregate classification.

Dr. Peter K. Rogan Lab, Western University
No classification provided (evidence only). Condition: Uterine corpus endometrial carcinoma. Review status: no classification provided. Collection method: in vitro. Allele origin: not applicable. Functional consequence: retained intron. Not counted in ClinVar's aggregate classification.

Dr. Peter K. Rogan Lab, Western University
No classification provided (evidence only). Condition: Uterine corpus endometrial carcinoma. Review status: no classification provided. Collection method: in vitro. Allele origin: not applicable. Functional consequence: retained intron. Not counted in ClinVar's aggregate classification.

Dr. Peter K. Rogan Lab, Western University
No classification provided (evidence only). Condition: Uterine corpus endometrial carcinoma. Review status: no classification provided. Collection method: in vitro. Allele origin: not applicable. Functional consequence: retained intron. Not counted in ClinVar's aggregate classification.

Dr. Peter K. Rogan Lab, Western University
No classification provided (evidence only). Condition: Malignant lymphoma, large B-cell, diffuse. Review status: no classification provided. Collection method: in vitro. Allele origin: not applicable. Functional consequence: skipped exon, retained intron. Not counted in ClinVar's aggregate classification.

Dr. Peter K. Rogan Lab, Western University
No classification provided (evidence only). Condition: Malignant lymphoma, large B-cell, diffuse. Review status: no classification provided. Collection method: in vitro. Allele origin: not applicable. Functional consequence: retained intron. Not counted in ClinVar's aggregate classification.

Dr. Peter K. Rogan Lab, Western University
No classification provided (evidence only). Condition: Cholangiocarcinoma. Review status: no classification provided. Collection method: in vitro. Allele origin: not applicable. Functional consequence: retained intron. Not counted in ClinVar's aggregate classification.

Dr. Peter K. Rogan Lab, Western University
No classification provided (evidence only). Condition: Ovarian serous cystadenocarcinoma. Review status: no classification provided. Collection method: in vitro. Allele origin: not applicable. Functional consequence: retained intron. Not counted in ClinVar's aggregate classification.

Dr. Peter K. Rogan Lab, Western University
No classification provided (evidence only). Condition: Ovarian serous cystadenocarcinoma. Review status: no classification provided. Collection method: in vitro. Allele origin: not applicable. Functional consequence: retained intron. Not counted in ClinVar's aggregate classification.

Dr. Peter K. Rogan Lab, Western University
No classification provided (evidence only). Condition: Ovarian serous cystadenocarcinoma. Review status: no classification provided. Collection method: in vitro. Allele origin: not applicable. Functional consequence: retained intron. Not counted in ClinVar's aggregate classification.

Dr. Peter K. Rogan Lab, Western University
No classification provided (evidence only). Condition: Ovarian serous cystadenocarcinoma. Review status: no classification provided. Collection method: in vitro. Allele origin: not applicable. Functional consequence: retained intron. Not counted in ClinVar's aggregate classification.

Dr. Peter K. Rogan Lab, Western University
No classification provided (evidence only). Condition: Ovarian serous cystadenocarcinoma. Review status: no classification provided. Collection method: in vitro. Allele origin: not applicable. Functional consequence: retained intron. Not counted in ClinVar's aggregate classification.

Dr. Peter K. Rogan Lab, Western University
No classification provided (evidence only). Condition: Ovarian serous cystadenocarcinoma. Review status: no classification provided. Collection method: in vitro. Allele origin: not applicable. Functional consequence: retained intron. Not counted in ClinVar's aggregate classification.

Dr. Peter K. Rogan Lab, Western University
No classification provided (evidence only). Condition: Ovarian serous cystadenocarcinoma. Review status: no classification provided. Collection method: in vitro. Allele origin: not applicable. Functional consequence: retained intron. Not counted in ClinVar's aggregate classification.

Dr. Peter K. Rogan Lab, Western University
No classification provided (evidence only). Condition: Uterine carcinosarcoma. Review status: no classification provided. Collection method: in vitro. Allele origin: not applicable. Functional consequence: retained intron. Not counted in ClinVar's aggregate classification.

Dr. Peter K. Rogan Lab, Western University
No classification provided (evidence only). Condition: Uterine carcinosarcoma. Review status: no classification provided. Collection method: in vitro. Allele origin: not applicable. Functional consequence: retained intron. Not counted in ClinVar's aggregate classification.

Dr. Peter K. Rogan Lab, Western University
No classification provided (evidence only). Condition: Uterine carcinosarcoma. Review status: no classification provided. Collection method: in vitro. Allele origin: not applicable. Functional consequence: retained intron. Not counted in ClinVar's aggregate classification.

Dr. Peter K. Rogan Lab, Western University
No classification provided (evidence only). Condition: Uterine carcinosarcoma. Review status: no classification provided. Collection method: in vitro. Allele origin: not applicable. Functional consequence: retained intron. Not counted in ClinVar's aggregate classification.

Dr. Peter K. Rogan Lab, Western University
No classification provided (evidence only). Condition: Uterine carcinosarcoma. Review status: no classification provided. Collection method: in vitro. Allele origin: not applicable. Functional consequence: retained intron. Not counted in ClinVar's aggregate classification.

Dr. Peter K. Rogan Lab, Western University
No classification provided (evidence only). Condition: Uterine carcinosarcoma. Review status: no classification provided. Collection method: in vitro. Allele origin: not applicable. Functional consequence: retained intron. Not counted in ClinVar's aggregate classification.

NM_000215.4(JAK3):c.3207+101C>G

Gene: JAK3 (Janus kinase 3; minus strand). Cytogenetic location: 19p13.11.
Variant type: single nucleotide variant.
Coding change: c.3207+101C>G on transcript NM_000215.4 (MANE Select); 101 bases into the intron after coding-DNA position 3207, C replaced by G.
Molecular consequence: intron variant.
Genome position (GRCh38, 1-based): chr19:17,830,007, G>C on the plus strand (C>G on the coding strand, the complement: JAK3 is on the minus strand). VCF-style: chr19-17830007-G-C. GRCh37 (hg19) VCF-style: chr19-17940816-G-C.
Other names: NC_000019.9:g.17940816G>C.
Identifiers: ClinVar variation 1277864 (VCV001277864.5), dbSNP rs3212781, ClinGen allele CA9301386.